The following is an entry in ClinVar:

ClinVar aggregate classification (germline): Pathogenic (1 of 4 stars; one submission).

Conditions:
Autosomal recessive polycystic kidney disease (ARPKD). Also called: AR polycystic kidney disease. Identifiers: Orphanet 731, Orphanet 8378, MedGen C0085548, MeSH D017044, MONDO:0009889.

Submission:

Labcorp Genetics (formerly Invitae), Labcorp
Classification: Pathogenic for Autosomal recessive polycystic kidney disease. Last evaluated: 2022-02-08. Review status: criteria provided, single submitter. Criteria: Invitae Variant Classification Sherloc (09022015). Collection method: clinical testing. Allele origin: germline.
Comment: For these reasons, this variant has been classified as Pathogenic. This variant has not been reported in the literature in individuals affected with PKHD1-related conditions. This variant is a gross deletion of the genomic region encompassing exon(s) 61 of the PKHD1 gene. This deletion is out-of-frame, and is expected to create a premature termination codon and result in an absent or disrupted protein product. Loss-of-function variants in PKHD1 are known to be pathogenic (PMID: 19940839).

Literature cited by the submitters: PubMed 19940839.

NC_000006.11:g.(?_51523740)_(51524777_?)del

Gene: PKHD1 (PKHD1 ciliary IPT domain containing fibrocystin/polyductin; minus strand). Cytogenetic location: 6p12.3.
Variant type: Deletion.
Identifiers: ClinVar variation 2427250 (VCV002427250.3).